The following is an entry in ClinVar:

NM_001829.4(CLCN3):c.1109G>A (p.Gly370Asp)

Gene: CLCN3 (chloride voltage-gated channel 3; plus strand). Cytogenetic location: 4q33.
Variant type: single nucleotide variant.
Coding change: c.1109G>A on transcript NM_001829.4 (MANE Select); coding-DNA position 1109, G replaced by A.
Protein change: p.Gly370Asp; replaces glycine 370 with aspartic acid.
Molecular consequence: missense variant.
Genome position (GRCh38, 1-based): chr4:169,697,280, G>A. VCF-style: chr4-169697280-G-A. GRCh37 (hg19) VCF-style: chr4-170618431-G-A.
Other names: c.1028G>A, p.Gly343Asp (NM_001243372.2, NM_001243374.2); c.1109G>A, p.Gly370Asp (NM_173872.4); short protein forms G343D, G370D.
Identifiers: ClinVar variation 2572465 (VCV002572465.1), dbSNP rs2477055417, ClinGen allele CA358739245.

ClinVar aggregate classification (germline): Uncertain significance (1 of 4 stars; one submission).

Conditions:
Neurodevelopmental disorder with hypotonia and brain abnormalities. Identifiers: MedGen C5561977, MONDO:0859187, OMIM 619512.

Submission:

3billion
Classification: Uncertain significance for Neurodevelopmental disorder with hypotonia and brain abnormalities. Review status: criteria provided, single submitter. Criteria: ACMG Guidelines, 2015. Collection method: clinical testing. Allele origin: unknown. Affected: yes. Observed: 1 heterozygote.
Comment: The variant is not observed in the gnomAD v2.1.1 dataset. Missense changes are a common disease-causing mechanism. In silico tool predictions suggest damaging effect of the variant on gene or gene product (REVEL: 0.88; 3Cnet: 0.08). Therefore, this variant is classified as Uncertain significance according to the recommendation of ACMG/AMP guideline.